The following is an entry in ClinVar:

NM_003185.4(TAF4):c.2752T>A (p.Ser918Thr)

Gene: TAF4 (TATA-box binding protein associated factor 4; minus strand). Cytogenetic location: 20q13.33.
Variant type: single nucleotide variant.
Coding change: c.2752T>A on transcript NM_003185.4 (MANE Select); coding-DNA position 2752, T replaced by A.
Protein change: p.Ser918Thr; replaces serine 918 with threonine.
Molecular consequence: missense variant.
Genome position (GRCh38, 1-based): chr20:62,000,159, A>T on the plus strand (T>A on the coding strand, the complement: TAF4 is on the minus strand). VCF-style: chr20-62000159-A-T. GRCh37 (hg19) VCF-style: chr20-60575215-A-T.
Other names: short protein forms S918T.
Identifiers: ClinVar variation 4886174 (VCV004886174.2).
Genomic context (GRCh38, chr20:62,000,159, plus strand): 5'-CTCTCCTCGGCAAACAGCCTGTTACCTTGTAAGAAAAGTTCTTCTGCTGAGCTGTTTCTG[A>T]TATTTTCTCTACAAGATTCTGTAGCCTTTGTTGCGTGGCATGTGATACATAACTTACTAC-3'
Protein context (NP_003176.2, residues 908-928): QRLQNLVEKI[Ser918Thr]ETAQQKNFSY

ClinVar aggregate classification (germline): Uncertain significance (1 of 4 stars; one submission).

gnomAD v4.1: 2 of 1,614,176 alleles (0.00012%); highest among the groups gnomAD compares: Middle Eastern, 0.017%; no homozygotes.

Submission:

Dasa
Classification: Uncertain significance. Last evaluated: 2024-10-21. Review status: criteria provided, single submitter. Criteria: DASA Assertion Criteria. Collection method: clinical testing. Allele origin: germline.
Comment: NM_003185.4(TAF4):c.2752T>A (p.Ser918Thr) is a missense variant that results in the substitution of serine with threonine. This variant is rare in population databases. Computational prediction algorithms are consistent with a benign effect. The currently available literature and clinical evidence are not sufficient to establish a definitive association between this variant and the reported condition. Therefore, this variant is classified as a variant of uncertain significance.